The following is an entry in ClinVar:

ClinVar aggregate classification (germline): Benign/Likely benign. Review status: criteria provided, multiple submitters, no conflicts (2 of 4 stars). 3 submissions from 3 submitters: Benign (2); Likely benign (1). Last evaluated 2026-01-26.

Allele frequency attached by ClinVar (database versions not stated): ESP Exome Variant Server 0.00085; 1000 Genomes Project 30x 0.00125; 1000 Genomes Project 0.00140; ExAC 0.00177.
gnomAD v4.1: 2,311 of 1,613,012 alleles (0.14%); highest among the groups gnomAD compares: Middle Eastern, 0.74%; 6 homozygotes.

Submissions (3):

Labcorp Genetics (formerly Invitae), Labcorp
Classification: Benign. Last evaluated: 2026-01-26. Review status: criteria provided, single submitter. Criteria: Invitae Variant Classification Sherloc (09022015). Collection method: clinical testing. Allele origin: germline.

CeGaT Center for Human Genetics Tuebingen
Classification: Likely benign. Last evaluated: 2026-01-01. Review status: criteria provided, single submitter. Criteria: CeGaT Center For Human Genetics Tuebingen Variant Classification Criteria Version 2. Collection method: clinical testing. Allele origin: germline. Affected: yes. Observed: 2 variant alleles.
Comment: MOCS3: BP4, BP7

Breakthrough Genomics
Classification: Benign. Review status: criteria provided, single submitter. Criteria: ACMG Guidelines, 2015. Collection method: not provided. Allele origin: germline. Inheritance: Unknown mechanism. Affected: yes.

NM_014484.5(MOCS3):c.276G>A (p.Gly92=)

Gene: MOCS3 (molybdenum cofactor synthesis 3; plus strand). Cytogenetic location: 20q13.13.
Variant type: single nucleotide variant.
Coding change: c.276G>A on transcript NM_014484.5 (MANE Select); coding-DNA position 276, G replaced by A.
Protein change: p.Gly92=; no amino-acid change (glycine 92 retained).
Molecular consequence: synonymous variant.
Genome position (GRCh38, 1-based): chr20:50,959,118, G>A. VCF-style: chr20-50959118-G-A. GRCh37 (hg19) VCF-style: chr20-49575655-G-A.
Identifiers: ClinVar variation 1565470 (VCV001565470.31), dbSNP rs11542753, ClinGen allele CA9909373.